The following is an entry in ClinVar:

NM_000642.3(AGL):c.216A>G (p.Glu72=)

Gene: AGL (amylo-alpha-1,6-glucosidase and 4-alpha-glucanotransferase; plus strand). Cytogenetic location: 1p21.2.
Variant type: single nucleotide variant.
Coding change: c.216A>G on transcript NM_000642.3 (MANE Select); coding-DNA position 216, A replaced by G.
Protein change: p.Glu72=; no amino-acid change (glutamic acid 72 retained).
Molecular consequence: synonymous variant. On other transcripts: intron variant (1).
Genome position (GRCh38, 1-based): chr1:99,861,636, A>G. VCF-style: chr1-99861636-A-G. GRCh37 (hg19) VCF-style: chr1-100327192-A-G.
Other names: p.Glu72=; c.216A>G, p.Glu72= (NM_000028.3, NM_000643.3, NM_000644.3 and 5 more transcripts); c.168A>G, p.Glu56= (NM_000646.3); c.83-2750A>G (NM_001425332.1).
Identifiers: ClinVar variation 3625153 (VCV003625153.3).

ClinVar aggregate classification (germline): Likely benign. Review status: criteria provided, multiple submitters, no conflicts (2 of 4 stars). 2 submissions from 2 submitters: Likely benign (2). Last evaluated 2025-02-04.

Conditions:
Glycogen storage disease type III (GSD3). Also called: Cori disease; FORBES DISEASE. Identifiers: Orphanet 366, MedGen C0017922, MONDO:0009291, OMIM 232400.

gnomAD v4.1: 1 of 1,613,644 alleles (0.000062%); highest among the groups gnomAD compares: Non-Finnish European, 0.000085%; no homozygotes.

Submissions (2):

Mayo Clinic Laboratories, Mayo Clinic
Classification: Likely benign. Last evaluated: 2025-02-04. Review status: criteria provided, single submitter. Criteria: ACMG Guidelines, 2015. Collection method: clinical testing. Allele origin: germline. Observed: 1 variant allele.
Comment: BP4, BP7, PM2_supporting

Labcorp Genetics (formerly Invitae), Labcorp
Classification: Likely benign for Glycogen storage disease type III. Last evaluated: 2025-02-01. Review status: criteria provided, single submitter. Criteria: Invitae Variant Classification Sherloc (09022015). Collection method: clinical testing. Allele origin: germline.